The following is an entry in ClinVar:

NM_016169.4(SUFU):c.283C>G (p.Leu95Val)

Gene: SUFU (SUFU negative regulator of hedgehog signaling; plus strand). Cytogenetic location: 10q24.32.
Variant type: single nucleotide variant.
Coding change: c.283C>G on transcript NM_016169.4 (MANE Select); coding-DNA position 283, C replaced by G.
Protein change: p.Leu95Val; replaces leucine 95 with valine.
Molecular consequence: missense variant.
Genome position (GRCh38, 1-based): chr10:102,509,269, C>G. VCF-style: chr10-102509269-C-G. GRCh37 (hg19) VCF-style: chr10-104269026-C-G.
Other names: c.283C>G, p.Leu95Val (NM_001178133.2); short protein forms L95V.
Identifiers: ClinVar variation 5030361 (VCV005030361.1).
Genomic context (GRCh38, chr10:102,509,269, plus strand): 5'-AGGAATGTGGGGAGCCCTTCTGCTAACATCCCCGAGCACTGGCACTACATCAGCTTCGGC[C>G]TGAGTGATCTCTATGGTGACAACAGAGTCCATGAGTGAGTATATGCCACCTGTTCTTTAT-3'
Protein context (NP_057253.2, residues 85-105): PEHWHYISFG[Leu95Val]SDLYGDNRVH

ClinVar aggregate classification (germline): Uncertain significance (1 of 4 stars; one submission).

Conditions:
Hereditary cancer-predisposing syndrome. Also called: Neoplastic Syndromes, Hereditary; Tumor predisposition; Hereditary neoplastic syndrome; Hereditary Cancer Syndrome. Identifiers: Orphanet 140162, MedGen C0027672, MeSH D009386, MONDO:0015356.

Submission:

Ambry Genetics
Classification: Uncertain significance for Hereditary cancer-predisposing syndrome. Last evaluated: 2026-07-06. Review status: criteria provided, single submitter. Criteria: Ambry Variant Classification Scheme 2023. Collection method: clinical testing. Allele origin: germline.
Comment: The p.L95V variant (also known as c.283C>G), located in coding exon 2 of the SUFU gene, results from a C to G substitution at nucleotide position 283. The leucine at codon 95 is replaced by valine, an amino acid with highly similar properties. This amino acid position is conserved. In addition, this alteration is predicted to be deleterious by in silico analysis. Based on the available evidence, the clinical significance of this variant remains unclear.